The following is an entry in ClinVar:

NM_001291303.3(FAT4):c.12115T>G (p.Phe4039Val)

Gene: FAT4 (FAT atypical cadherin 4; plus strand). Cytogenetic location: 4q28.1.
Variant type: single nucleotide variant.
Coding change: c.12115T>G on transcript NM_001291303.3 (MANE Select); coding-DNA position 12115, T replaced by G.
Protein change: p.Phe4039Val; replaces phenylalanine 4039 with valine.
Molecular consequence: missense variant.
Genome position (GRCh38, 1-based): chr4:125,468,721, T>G. VCF-style: chr4-125468721-T-G. GRCh37 (hg19) VCF-style: chr4-126389876-T-G.
Other names: c.12115T>G, p.Phe4039Val (NM_001291285.3); c.12109T>G, p.Phe4037Val (NM_024582.6); short protein forms F4037V, F4039V.
Identifiers: ClinVar variation 1485853 (VCV001485853.6), dbSNP rs775446398, ClinGen allele CA3074013.
Genomic context (GRCh38, chr4:125,468,721, plus strand): 5'-AACCAGACAGGCGACCGGGCTGAGTTTTTGGCCCTTGAAATTGCCGAAGAAAGACTAAGA[T>G]TCTCTTATAATTTAGGCAGTGGTACATATAAGCTCACCACCATGAAGAAGGTGTCAGATG-3'
Protein context (NP_001278232.1, residues 4029-4049): ALEIAEERLR[Phe4039Val]SYNLGSGTYK

ClinVar aggregate classification (germline): Uncertain significance (1 of 4 stars; one submission).

Allele frequency attached by ClinVar (database versions not stated): gnomAD exomes below 0.00001 and 0.00002; TOPMed below 0.00001; ExAC 0.00002.
gnomAD v4.1: 7 of 1,614,120 alleles (0.00043%); highest among the groups gnomAD compares: Admixed American, 0.0067%; no homozygotes.

Submission:

Labcorp Genetics (formerly Invitae), Labcorp
Classification: Uncertain significance. Last evaluated: 2022-01-28. Review status: criteria provided, single submitter. Criteria: Invitae Variant Classification Sherloc (09022015). Collection method: clinical testing. Allele origin: germline.
Comment: This sequence change replaces phenylalanine, which is neutral and non-polar, with valine, which is neutral and non-polar, at codon 4037 of the FAT4 protein (p.Phe4037Val). In summary, the available evidence is currently insufficient to determine the role of this variant in disease. Therefore, it has been classified as a Variant of Uncertain Significance. Advanced modeling of protein sequence and biophysical properties (such as structural, functional, and spatial information, amino acid conservation, physicochemical variation, residue mobility, and thermodynamic stability) performed at Invitae indicates that this missense variant is not expected to disrupt FAT4 protein function. This variant has not been reported in the literature in individuals affected with FAT4-related conditions. This variant is present in population databases (rs775446398, gnomAD 0.006%).